The following is an entry in ClinVar:

NM_000264.5(PTCH1):c.2595C>T (p.Thr865=)

Gene: PTCH1 (patched 1; minus strand). Cytogenetic location: 9q22.32.
Variant type: single nucleotide variant.
Coding change: c.2595C>T on transcript NM_000264.5 (MANE Select); coding-DNA position 2595, C replaced by T.
Protein change: p.Thr865=; no amino-acid change (threonine 865 retained).
Molecular consequence: synonymous variant. On other transcripts: non-coding transcript variant (1).
Genome position (GRCh38, 1-based): chr9:95,461,964, G>A on the plus strand (C>T on the coding strand, the complement: PTCH1 is on the minus strand). VCF-style: chr9-95461964-G-A. GRCh37 (hg19) VCF-style: chr9-98224246-G-A.
Other names: c.2595C>T (NM_000264.4); c.2397C>T, p.Thr799= (NM_001083602.3); c.2592C>T, p.Thr864= (NM_001083603.3); c.2142C>T, p.Thr714= (NM_001083604.3, NM_001083605.3, NM_001083606.3 and 1 more transcripts); c.2439C>T, p.Thr813= (NM_001354918.2).
Identifiers: ClinVar variation 415468 (VCV000415468.21), dbSNP rs144512837, ClinGen allele CA5138363.
Genomic context (GRCh38, chr9:95,461,964, plus strand): 5'-TTTGTAGGCAAGGACTCCATCGTCTGATCCATTCTTGTAATTGTTTGGCATGATTTTCCC[G>A]GTTTCCCAGTCACTGTCAAATGCATCCTGAAGTCCTAGAAATGGCAAATGATTGTAACAC-3'
Protein context (NP_000255.2, residues 855-875): LQDAFDSDWE[Thr865=]GKIMPNNYKN

ClinVar aggregate classification (germline): Benign/Likely benign. Review status: criteria provided, multiple submitters, no conflicts (2 of 4 stars). 7 submissions from 7 submitters: Benign (3); Likely benign (3). 1 of the submissions does not count toward it. Last evaluated 2025-12-17.

Conditions:
Hereditary cancer-predisposing syndrome. Also called: Neoplastic Syndromes, Hereditary; Tumor predisposition; Hereditary Cancer Syndrome; Hereditary neoplastic syndrome. Identifiers: Orphanet 140162, MedGen C0027672, MeSH D009386, MONDO:0015356.
Gorlin syndrome. Also called: Nevoid Basal Cell Carcinoma Syndrome; Basal cell nevus syndrome. Identifiers: Orphanet 377, MedGen C0004779, MONDO:0007187.
PTCH1-related disorder. Also called: PTCH1-related disorders; PTCH1-related condition.

Allele frequency attached by ClinVar (database versions not stated): ESP Exome Variant Server 0.00008; gnomAD 0.00013; TOPMed 0.00002; ExAC 0.00008.
gnomAD v4.1: 95 of 1,614,042 alleles (0.0059%); highest among the groups gnomAD compares: Middle Eastern, 0.016%; 1 homozygote.

Submissions (7):

Labcorp Genetics (formerly Invitae), Labcorp
Classification: Benign for Gorlin syndrome. Last evaluated: 2025-12-17. Review status: criteria provided, single submitter. Criteria: Invitae Variant Classification Sherloc (09022015). Collection method: clinical testing. Allele origin: germline.

Quest Diagnostics Nichols Institute San Juan Capistrano
Classification: Benign. Last evaluated: 2025-10-24. Review status: criteria provided, single submitter. Criteria: Quest Diagnostics criteria. Collection method: clinical testing. Allele origin: unknown.

KCCC/NGS Laboratory, Kuwait Cancer Control Center
Classification: Benign for Basal cell nevus syndrome 1. Last evaluated: 2023-07-07. Review status: criteria provided, single submitter. Criteria: ACMG Guidelines, 2015. Collection method: clinical testing. Allele origin: germline. Affected: yes.

Blueprint Genetics
Classification: Likely benign. Last evaluated: 2022-10-04. Review status: criteria provided, single submitter. Criteria: ACMG Guidelines, 2015. Collection method: clinical testing. Allele origin: germline.

Ambry Genetics
Classification: Likely benign for Hereditary cancer-predisposing syndrome. Last evaluated: 2018-05-09. Review status: criteria provided, single submitter. Criteria: Ambry Variant Classification Scheme 2023. Collection method: clinical testing. Allele origin: germline.

GeneDx
Classification: Likely benign. Last evaluated: 2017-06-26. Review status: criteria provided, single submitter. Criteria: GeneDx Variant Classification (06012015). Collection method: clinical testing. Allele origin: germline. Affected: yes.
Comment: This variant is considered likely benign or benign based on one or more of the following criteria: it is a conservative change, it occurs at a poorly conserved position in the protein, it is predicted to be benign by multiple in silico algorithms, and/or has population frequency not consistent with disease.

PreventionGenetics, part of Exact Sciences
Classification: Likely benign for PTCH1-related condition. Last evaluated: 2020-03-03. Review status: no assertion criteria provided. Collection method: clinical testing. Allele origin: germline. Not counted in ClinVar's aggregate classification.
Comment: This variant is classified as likely benign based on ACMG/AMP sequence variant interpretation guidelines (Richards et al. 2015 PMID: 25741868, with internal and published modifications).